The following is an entry in ClinVar:

ClinVar aggregate classification (germline): Uncertain significance (1 of 4 stars; one submission).

gnomAD v4.1: 1 of 1,614,122 alleles (0.000062%); highest among the groups gnomAD compares: Non-Finnish European, 0.000085%; no homozygotes.

Submission:

Ambry Genetics
Classification: Uncertain significance. Last evaluated: 2025-07-13. Review status: criteria provided, single submitter. Criteria: Ambry Variant Classification Scheme 2023. Collection method: clinical testing. Allele origin: germline.
Comment: The p.T299N variant (also known as c.896C>A), located in coding exon 8 of the RAD51B gene, results from a C to A substitution at nucleotide position 896. The threonine at codon 299 is replaced by asparagine, an amino acid with similar properties. This amino acid position is conserved. In addition, this alteration is predicted to be tolerated by in silico analysis. Based on the available evidence, the clinical significance of this variant remains unclear.

NM_133510.4(RAD51B):c.896C>A (p.Thr299Asn)

Gene: RAD51B (RAD51 paralog B; plus strand). Cytogenetic location: 14q24.1.
Variant type: single nucleotide variant.
Coding change: c.896C>A on transcript NM_133510.4 (MANE Select); coding-DNA position 896, C replaced by A.
Protein change: p.Thr299Asn; replaces threonine 299 with asparagine.
Molecular consequence: missense variant.
Genome position (GRCh38, 1-based): chr14:68,411,466, C>A. VCF-style: chr14-68411466-C-A. GRCh37 (hg19) VCF-style: chr14-68878183-C-A.
Other names: c.896C>A, p.Thr299Asn (NM_001321809.2, NM_001321810.2, NM_001321812.1 and 6 more transcripts); c.782C>A, p.Thr261Asn (NM_001321815.1); c.539C>A, p.Thr180Asn (NM_001321817.2); short protein forms T180N, T261N, T299N.
Identifiers: ClinVar variation 4149826 (VCV004149826.1).